The following is an entry in ClinVar:

NM_001282225.2(ADA2):c.903C>T (p.Ile301=)

Gene: ADA2 (adenosine deaminase 2; minus strand). Cytogenetic location: 22q11.1.
Variant type: single nucleotide variant.
Coding change: c.903C>T on transcript NM_001282225.2 (MANE Select); coding-DNA position 903, C replaced by T.
Protein change: p.Ile301=; no amino-acid change (isoleucine 301 retained).
Molecular consequence: synonymous variant.
Genome position (GRCh38, 1-based): chr22:17,190,011, G>A on the plus strand (C>T on the coding strand, the complement: ADA2 is on the minus strand). VCF-style: chr22-17190011-G-A. GRCh37 (hg19) VCF-style: chr22-17670901-G-A.
Other names: c.903C>T, p.Ile301= (NM_001282226.2); c.777C>T, p.Ile259= (NM_001282227.2, NM_001282228.2); c.543C>T, p.Ile181= (NM_001282229.2); c.180C>T, p.Ile60= (NM_177405.3).
Identifiers: ClinVar variation 1135778 (VCV001135778.15), dbSNP rs768133814, ClinGen allele CA10088052.

ClinVar aggregate classification (germline): Likely benign. Review status: criteria provided, multiple submitters, no conflicts (2 of 4 stars). 2 submissions from 2 submitters: Likely benign (2). Last evaluated 2025-11-01.

Conditions:
Deficiency of adenosine deaminase 2. Also called: Polyarteritis nodosa, childhoood-onset; Adenosine Deaminase 2 Deficiency; VASCULITIS, AUTOINFLAMMATION, IMMUNODEFICIENCY, AND HEMATOLOGIC DEFECTS SYNDROME. Identifiers: Orphanet 404553, MedGen C3887654, MONDO:0014306, OMIM 615688, MONDO:0100317.

Allele frequency attached by ClinVar (database versions not stated): gnomAD exomes 0.00002 and 0.00006; TOPMed 0.00003; ExAC 0.00007; gnomAD 0.00007 and 0.00008.
gnomAD v4.1: 42 of 1,613,582 alleles (0.0026%); highest among the groups gnomAD compares: African/African-American, 0.011%; no homozygotes.

Submissions (2):

CeGaT Center for Human Genetics Tuebingen
Classification: Likely benign. Last evaluated: 2025-11-01. Review status: criteria provided, single submitter. Criteria: CeGaT Center For Human Genetics Tuebingen Variant Classification Criteria Version 2. Collection method: clinical testing. Allele origin: germline. Affected: yes. Observed: 1 variant allele.
Comment: ADA2: BP4, BP7

Labcorp Genetics (formerly Invitae), Labcorp
Classification: Likely benign for Deficiency of adenosine deaminase 2. Last evaluated: 2025-04-03. Review status: criteria provided, single submitter. Criteria: Invitae Variant Classification Sherloc (09022015). Collection method: clinical testing. Allele origin: germline.